The following is an entry in ClinVar:

NM_004329.3(BMPR1A):c.101G>A (p.Gly34Glu)

Gene: BMPR1A (bone morphogenetic protein receptor type 1A; plus strand). Cytogenetic location: 10q23.2.
Variant type: single nucleotide variant.
Coding change: c.101G>A on transcript NM_004329.3 (MANE Select); coding-DNA position 101, G replaced by A.
Protein change: p.Gly34Glu; replaces glycine 34 with glutamic acid.
Molecular consequence: missense variant.
Genome position (GRCh38, 1-based): chr10:86,890,095, G>A. VCF-style: chr10-86890095-G-A. GRCh37 (hg19) VCF-style: chr10-88649852-G-A.
Other names: c.101G>A, p.Gly34Glu (NM_001406559.1, NM_001406560.1, NM_001406561.1 and 23 more transcripts); c.17G>A, p.Gly6Glu (NM_001406584.1, NM_001406585.1, NM_001406586.1 and 2 more transcripts); short protein forms G34E, G6E.
Identifiers: ClinVar variation 1755797 (VCV001755797.3), dbSNP rs730881430, ClinGen allele CA377446371.
Genomic context (GRCh38, chr10:86,890,095, plus strand): 5'-ACTTACAAATTCCATATTTGAATGCAGGACAGAATCTGGATAGTATGCTTCATGGCACTG[G>A]GATGAAATCAGACTCCGACCAGAAAAAGTCAGAAAATGGAGTAACCTTAGCACCAGAGGA-3'
Protein context (NP_004320.2, residues 24-44): QNLDSMLHGT[Gly34Glu]MKSDSDQKKS

ClinVar aggregate classification (germline): Uncertain significance. Review status: criteria provided, multiple submitters, no conflicts (2 of 4 stars). 2 submissions from 2 submitters: Uncertain significance (2). Last evaluated 2025-06-15.

Conditions:
Hereditary cancer-predisposing syndrome. Also called: Neoplastic Syndromes, Hereditary; Tumor predisposition; Hereditary neoplastic syndrome; Hereditary Cancer Syndrome. Identifiers: Orphanet 140162, MedGen C0027672, MeSH D009386, MONDO:0015356.
Juvenile polyposis syndrome (JPS). Identifiers: Orphanet 2929, MedGen C0345893, MONDO:0017380, OMIM 174900.

Submissions (2):

Labcorp Genetics (formerly Invitae), Labcorp
Classification: Uncertain significance for Juvenile polyposis syndrome. Last evaluated: 2025-06-15. Review status: criteria provided, single submitter. Criteria: Invitae Variant Classification Sherloc (09022015). Collection method: clinical testing. Allele origin: germline.
Comment: This sequence change replaces glycine, which is neutral and non-polar, with glutamic acid, which is acidic and polar, at codon 34 of the BMPR1A protein (p.Gly34Glu). This variant is not present in population databases (gnomAD no frequency). This variant has not been reported in the literature in individuals affected with BMPR1A-related conditions. ClinVar contains an entry for this variant (Variation ID: 1755797). Invitae Evidence Modeling of protein sequence and biophysical properties (such as structural, functional, and spatial information, amino acid conservation, physicochemical variation, residue mobility, and thermodynamic stability) indicates that this missense variant is not expected to disrupt BMPR1A protein function with a negative predictive value of 95%. In summary, the available evidence is currently insufficient to determine the role of this variant in disease. Therefore, it has been classified as a Variant of Uncertain Significance.

Ambry Genetics
Classification: Uncertain significance for Hereditary cancer-predisposing syndrome. Last evaluated: 2015-11-11. Review status: criteria provided, single submitter. Criteria: Ambry Variant Classification Scheme 2023. Collection method: clinical testing. Allele origin: germline.
Comment: The p.G34E variant (also known as c.101G>A), located in coding exon 2 of the BMPR1A gene, results from a G to A substitution at nucleotide position 101. The glycine at codon 34 is replaced by glutamic acid, an amino acid with similar properties. This variant was not reported in population based cohorts in the following databases: Database of Single Nucleotide Polymorphisms (dbSNP), NHLBI Exome Sequencing Project (ESP), and 1000 Genomes Project. In the ESP, this variant was not observed in 6503 samples (13006 alleles) with coverage at this position. To date, this alteration has been detected with an allele frequency of approximately 0.002% (greater than 65000 alleles tested) in our clinical cohort. This amino acid position is well conserved in available vertebrate species. In addition, this alteration is predicted to be benign yet deleterious by PolyPhen and SIFT in silico analyses, respectively. Since supporting evidence is limited at this time, the clinical significance of p.G34E remains unclear.